The following is an entry in ClinVar:

NM_000169.3(GLA):c.523G>A (p.Asp175Asn)

Genes: GLA (galactosidase alpha; minus strand), RPL36A-HNRNPH2 (RPL36A-HNRNPH2 readthrough; plus strand). Cytogenetic location: Xq22.1.
Variant type: single nucleotide variant.
Coding change: c.523G>A on transcript NM_000169.3 (MANE Select); coding-DNA position 523, G replaced by A.
Protein change: p.Asp175Asn; replaces aspartic acid 175 with asparagine.
Molecular consequence: missense variant. On other transcripts: non-coding transcript variant (3), intron variant (2).
Genome position (GRCh38, 1-based): chrX:101,401,656, C>T on the plus strand (G>A on the coding strand, the complement: GLA is on the minus strand). VCF-style: chrX-101401656-C-T. GRCh37 (hg19) VCF-style: chrX-100656644-C-T.
Other names: c.646G>A, p.Asp216Asn (NM_001406747.1, NM_001406749.1); c.523G>A, p.Asp175Asn (NM_001406748.1); c.300+6199C>T (NM_001199973.2); c.177+9834C>T (NM_001199974.2); short protein forms D175N, D216N.
Identifiers: ClinVar variation 4087412 (VCV004087412.2).
Genomic context (GRCh38, chrX:101,401,656, plus strand): 5'-TTCCTTTGTGGCTAAATCTCTGGAATGAAACATTACCATCTGCCAAATTTTCCAAACTGT[C>T]ACAGTAACAACCATCAAATTTTAGCAGATCTACTCCCCAGTCAGCAAAGGTCTGGGCATC-3'
Protein context (NP_000160.1, residues 165-185): DLLKFDGCYC[Asp175Asn]SLENLADGYK

ClinVar aggregate classification (germline): Uncertain significance (1 of 4 stars; one submission).

Conditions:
Fabry disease. Also called: ALPHA-GALACTOSIDASE A DEFICIENCY; ANDERSON-FABRY DISEASE; CERAMIDE TRIHEXOSIDASE DEFICIENCY; GLA DEFICIENCY; HEREDITARY DYSTOPIC LIPIDOSIS; Angiokeratoma corporis diffusum. Identifiers: Orphanet 324, MedGen C0002986, MONDO:0010526, OMIM 301500, HP:0001071. Disease mechanism: Fabry disease is due to inactivating mutations in the X-linked GLA gene resulting in deficiency of the enzyme Alpha Galactosidase-A., loss of function.

Submission:

Genomenon, Inc
Classification: Uncertain significance for Fabry disease. Last evaluated: 2026-09-08. Review status: criteria provided, single submitter. Criteria: Genomenon Sequence Variant Interpretation Standards - Updated. Collection method: curation. Allele origin: germline. Affected: no.
Comment: GLA p.Asp175Asn (c.523G>A) is a missense variant that changes the amino acid at codon 175 from Aspartic acid to Asparagine. This variant has been reported in the published literature (PMID:23935525). It is absent or not present at a significant frequency in gnomAD. In conclusion, we classify GLA p.Asp175Asn (c.523G>A) as a variant of uncertain significance.

Literature cited by the submitters: PubMed 23935525.